The following is an entry in ClinVar:

NM_001101362.3(KBTBD13):c.205C>G (p.Arg69Gly)

Gene: KBTBD13 (kelch repeat and BTB domain containing 13; plus strand). Cytogenetic location: 15q22.31.
Variant type: single nucleotide variant.
Coding change: c.205C>G on transcript NM_001101362.3 (MANE Select); coding-DNA position 205, C replaced by G.
Protein change: p.Arg69Gly; replaces arginine 69 with glycine.
Molecular consequence: missense variant.
Genome position (GRCh38, 1-based): chr15:65,077,020, C>G. VCF-style: chr15-65077020-C-G. GRCh37 (hg19) VCF-style: chr15-65369358-C-G.
Other names: short protein forms R69G.
Identifiers: ClinVar variation 3648084 (VCV003648084.2).

ClinVar aggregate classification (germline): Uncertain significance (1 of 4 stars; one submission).

Conditions:
Nemaline myopathy 6 (NEM6). Also called: Nemaline myopathy 6, autosomal dominant. Identifiers: Orphanet 171439, MedGen C1836472, MONDO:0012237, OMIM 609273.

Submission:

Labcorp Genetics (formerly Invitae), Labcorp
Classification: Uncertain significance for Nemaline myopathy 6. Last evaluated: 2024-08-05. Review status: criteria provided, single submitter. Criteria: Invitae Variant Classification Sherloc (09022015). Collection method: clinical testing. Allele origin: germline.
Comment: This sequence change replaces arginine, which is basic and polar, with glycine, which is neutral and non-polar, at codon 69 of the KBTBD13 protein (p.Arg69Gly). This variant is not present in population databases (gnomAD no frequency). This variant has not been reported in the literature in individuals affected with KBTBD13-related conditions. Advanced modeling of protein sequence and biophysical properties (such as structural, functional, and spatial information, amino acid conservation, physicochemical variation, residue mobility, and thermodynamic stability) performed at Invitae indicates that this missense variant is not expected to disrupt KBTBD13 protein function with a negative predictive value of 80%. In summary, the available evidence is currently insufficient to determine the role of this variant in disease. Therefore, it has been classified as a Variant of Uncertain Significance.